The following is an entry in ClinVar:

NM_001039591.3(USP9X):c.6365_6366del (p.Phe2122fs)

Gene: USP9X (ubiquitin specific peptidase 9 X-linked; plus strand). Cytogenetic location: Xp11.4.
Variant type: Deletion.
Coding change: c.6365_6366del on transcript NM_001039591.3 (MANE Select); coding-DNA positions 6365 to 6366, 2 bases deleted (TT; older notation c.6365_6366delTT).
Protein change: p.Phe2122fs; shifts the reading frame from phenylalanine 2122.
Molecular consequence: frameshift variant.
Genome position (GRCh38, 1-based): chrX:41,218,527-41,218,528, TT deleted; deleting any 2 consecutive bases within chrX:41,218,526-41,218,528 gives the same sequence; the c. name uses the placement nearest the transcript's 3' end. VCF-style (leftmost placement, unchanged base first): chrX-41218525-CTT-C. GRCh37 (hg19) VCF-style: chrX-41077778-CTT-C.
Other names: c.6365_6366del, p.Phe2122fs (NM_001039590.3); short protein forms F2122fs.
Identifiers: ClinVar variation 419674 (VCV000419674.2), dbSNP rs1064794035, ClinGen allele CA16621375.
Genomic context (GRCh38, chrX:41,218,525, plus strand): 5'-CGAATACCTTCTGGAGTGCCCTAGTGCAGAAGTGAGGGGTGCGTTTGCAAAACTTATAGT[CTT>C]TATTGCACATTTTTCCTTGCAAGATGGGCCATGTCCTTCACCTTTTGCCTCTCCTGGACC-3'

ClinVar aggregate classification (germline): Pathogenic (1 of 4 stars; one submission).

Submission:

GeneDx
Classification: Pathogenic. Last evaluated: 2015-08-04. Review status: criteria provided, single submitter. Criteria: GeneDx Variant Classification (06012015). Collection method: clinical testing. Allele origin: germline. Affected: yes.
Comment: The c.6365_6366delTT deletion in the USP9X gene has not been reported previously as a pathogenic variant nor as a benign polymorphism, to our knowledge. The c.6365_6366delTT deletion causes a frameshift starting with codon Phenylalanine 2122, changes this amino acid to a Tyrosine residue, and creates a premature Stop codon at position 22 of the new reading frame, denoted p.Phe2122TyrfsX22. This variant is predicted to cause loss of normal protein function either through protein truncation or nonsense-mediated mRNA decay. The c.6365_6366delTT deletion was not observed in approximately 6500 individuals of European and African American ancestry in the NHLB I Exome Sequencing Project, indicating it is not a common benign variant in these populations. We interpret c.6365_6366delTT as apathogenic variant.